The following is an entry in ClinVar:

ClinVar aggregate classification (germline): Uncertain significance (1 of 4 stars; one submission).

Allele frequency attached by ClinVar (database versions not stated): gnomAD exomes below 0.00001.
gnomAD v4.1: 1 of 1,614,050 alleles (0.000062%); highest among the groups gnomAD compares: Non-Finnish European, 0.000085%; no homozygotes.

Submission:

Labcorp Genetics (formerly Invitae), Labcorp
Classification: Uncertain significance. Last evaluated: 2023-12-27. Review status: criteria provided, single submitter. Criteria: Invitae Variant Classification Sherloc (09022015). Collection method: clinical testing. Allele origin: germline.
Comment: This sequence change replaces aspartic acid, which is acidic and polar, with glutamic acid, which is acidic and polar, at codon 741 of the IFT88 protein (p.Asp741Glu). This variant is not present in population databases (gnomAD no frequency). This variant has not been reported in the literature in individuals affected with IFT88-related conditions. An algorithm developed to predict the effect of missense changes on protein structure and function (PolyPhen-2) suggests that this variant is likely to be tolerated. In summary, the available evidence is currently insufficient to determine the role of this variant in disease. Therefore, it has been classified as a Variant of Uncertain Significance.

NM_006531.5(IFT88):c.2196T>G (p.Asp732Glu)

Gene: IFT88 (intraflagellar transport 88; plus strand). Cytogenetic location: 13q12.11.
Variant type: single nucleotide variant.
Coding change: c.2196T>G on transcript NM_006531.5 (MANE Select); coding-DNA position 2196, T replaced by G.
Protein change: p.Asp732Glu; replaces aspartic acid 732 with glutamic acid.
Molecular consequence: missense variant. On other transcripts: non-coding transcript variant (5).
Genome position (GRCh38, 1-based): chr13:20,670,993, T>G. VCF-style: chr13-20670993-T-G. GRCh37 (hg19) VCF-style: chr13-21245132-T-G.
Other names: c.2139T>G, p.Asp713Glu (NM_001318491.2); c.2223T>G, p.Asp741Glu (NM_001318493.2, NM_001353565.2, NM_001353566.2 and 2 more transcripts); c.2196T>G, p.Asp732Glu (NM_001353568.2, NM_001353572.2); c.2121T>G, p.Asp707Glu (NM_001353569.2, NM_001353570.2, NM_001353576.2 and 1 more transcripts); c.2094T>G, p.Asp698Glu (NM_001353571.2, NM_001353578.2); c.2052T>G, p.Asp684Glu (NM_001353573.2); c.2037T>G, p.Asp679Glu (NM_001353574.2); c.2263T>G, p.Trp755Gly (NM_001353575.2); and 1 more; short protein forms D732E, W755G, D521E, D679E, D713E, D741E, D707E, D684E.
Identifiers: ClinVar variation 2738644 (VCV002738644.3), dbSNP rs2140987144, ClinGen allele CA387477097.
Genomic context (GRCh38, chr13:20,670,993, plus strand): 5'-TAGCACTTATTCTTTTAAACTTGTCTTCTCTTTGCTCTAGCGCATAAAGTCAGGCAGAGA[T>G]GGCAGTGGGGGCTCCCGTGGCAAAAGAGAAGGAAGTGCTAGCGGTGGTAAGTATTTTCTC-3'
Protein context (NP_006522.2, residues 722-742): IREQRIKSGR[Asp732Glu]GSGGSRGKRE